The following is an entry in ClinVar:

NM_000492.4(CFTR):c.224G>A (p.Arg75Gln)

Gene: CFTR (CF transmembrane conductance regulator; plus strand). Cytogenetic location: 7q31.2.
Variant type: single nucleotide variant.
Coding change: c.224G>A on transcript NM_000492.4 (MANE Select); coding-DNA position 224, G replaced by A.
Protein change: p.Arg75Gln; replaces arginine 75 with glutamine.
Molecular consequence: missense variant.
Genome position (GRCh38, 1-based): chr7:117,509,093, G>A. VCF-style: chr7-117509093-G-A. GRCh37 (hg19) VCF-style: chr7-117149147-G-A.
Other names: short protein forms R75Q.
Identifiers: ClinVar variation 35839 (VCV000035839.93), dbSNP rs1800076, ClinGen allele CA152327.
Genomic context (GRCh38, chr7:117,509,093, plus strand): 5'-GAGAATGGGATAGAGAGCTGGCTTCAAAGAAAAATCCTAAACTCATTAATGCCCTTCGGC[G>A]ATGTTTTTTCTGGAGATTTATGTTCTATGGAATCTTTTTATATTTAGGGGTAAGGATCTC-3'
Protein context (NP_000483.3, residues 65-85): KNPKLINALR[Arg75Gln]CFFWRFMFYG

ClinVar aggregate classification (germline): Conflicting classifications of pathogenicity. Review status: criteria provided, conflicting classifications (1 of 4 stars). 24 submissions from 23 submitters: Uncertain significance (2); Benign (8); Likely benign (8). 6 of the submissions do not count toward it. Last evaluated 2026-05-27.

Conditions:
CFTR-related disorder (CFTR-RD). Also called: CFTR-related condition; CFTR-related disorders. Identifiers: MedGen C5924204, MONDO:7770004.
Abnormality of the pancreas. Identifiers: MedGen C4025751, HP:0001732.
Hereditary pancreatitis (PCTT). Also called: Hereditary chronic pancreatitis; PRSS1-Related Hereditary Pancreatitis. Identifiers: Orphanet 676, MedGen C0238339, MONDO:0008185, OMIM 167800.
Cystic fibrosis (CF). Also called: MUCOVISCIDOSIS. Identifiers: Orphanet 586, MedGen C0010674, MONDO:0009061, OMIM 219700. Disease mechanism: loss of function.
Lung disease, non-specific.

Allele frequency attached by ClinVar (database versions not stated): 1000 Genomes Project 30x 0.00609; ESP Exome Variant Server 0.02368; 1000 Genomes Project 0.00639; TOPMed 0.02024.
gnomAD v4.1: 48,477 of 1,611,610 alleles (3%); highest among the groups gnomAD compares: Non-Finnish European, 3.8%; 1,043 homozygotes.

Submissions (24):

PreventionGenetics, part of Exact Sciences
Classification: Likely benign for CFTR-related condition. Last evaluated: 2026-05-27. Review status: criteria provided, single submitter. Criteria: ACMG Guidelines, 2015. Collection method: clinical testing. Allele origin: germline.
Comment: This variant is classified as likely benign based on ACMG/AMP sequence variant interpretation guidelines (Richards et al. 2015 PMID: 25741868, with internal and published modifications).

Labcorp Genetics (formerly Invitae), Labcorp
Classification: Benign for Cystic fibrosis. Last evaluated: 2026-02-04. Review status: criteria provided, single submitter. Criteria: Invitae Variant Classification Sherloc (09022015). Collection method: clinical testing. Allele origin: germline.

ARUP Laboratories, Molecular Genetics and Genomics, ARUP Laboratories
Classification: Likely benign. Last evaluated: 2025-07-30. Review status: criteria provided, single submitter. Criteria: ARUP Molecular Germline Variant Investigation Process 2024. Collection method: clinical testing. Allele origin: germline.

CeGaT Center for Human Genetics Tuebingen
Classification: Benign. Last evaluated: 2025-04-01. Review status: criteria provided, single submitter. Criteria: CeGaT Center For Human Genetics Tuebingen Variant Classification Criteria Version 2. Collection method: clinical testing. Allele origin: germline. Affected: yes. Observed: 52 variant alleles.
Comment: CFTR: BS1, BS2

Quest Diagnostics Nichols Institute San Juan Capistrano
Classification: Likely benign. Last evaluated: 2025-02-25. Review status: criteria provided, single submitter. Criteria: Quest Diagnostics criteria. Collection method: clinical testing. Allele origin: unknown.

Blueprint Genetics
Classification: Benign. Last evaluated: 2024-11-27. Review status: criteria provided, single submitter. Criteria: ACMG Guidelines, 2015. Collection method: clinical testing. Allele origin: germline.

Johns Hopkins Genomics, Johns Hopkins University
Classification: Benign for Cystic fibrosis. Last evaluated: 2024-08-13. Review status: criteria provided, single submitter. Criteria: ACMG Guidelines, 2015. Collection method: clinical testing. Allele origin: germline.
Comment: BA1

Clinical Genetics Laboratory, Skane University Hospital Lund
Classification: Likely benign. Last evaluated: 2023-10-02. Review status: criteria provided, single submitter. Criteria: ACMG Guidelines, 2015. Collection method: clinical testing. Allele origin: germline. Affected: yes.

Genome Diagnostics Laboratory, The Hospital for Sick Children
Classification: Benign for Cystic fibrosis. Last evaluated: 2022-02-01. Review status: criteria provided, single submitter. Criteria: ACMG Guidelines, 2015. Collection method: clinical testing. Allele origin: germline.

Genome-Nilou Lab
Classification: Uncertain significance for Cystic fibrosis. Last evaluated: 2021-05-18. Review status: criteria provided, single submitter. Criteria: ACMG Guidelines, 2015. Collection method: clinical testing. Allele origin: germline. Affected: no.

Sema4
Classification: Likely benign for Hereditary pancreatitis. Last evaluated: 2021-05-18. Review status: criteria provided, single submitter. Criteria: Sema4 Curation Guidelines. Collection method: curation. Allele origin: germline.

CFTR-France
Classification: Benign for cystic fibrosis. Last evaluated: 2018-01-29. Review status: criteria provided, single submitter. Criteria: Claustres M et al. (Hum Mutat 2017). Collection method: curation. Allele origin: germline. Affected: yes and no.
Comment: the variant does not result in CFTR-RD neither

Center for Pediatric Genomic Medicine, Children's Mercy Hospital and Clinics
Classification: Uncertain significance. Last evaluated: 2017-09-07. Review status: criteria provided, single submitter. Criteria: ACMG Guidelines, 2015. Collection method: clinical testing. Allele origin: germline.

Eurofins Ntd Llc (ga)
Classification: Likely benign. Last evaluated: 2017-08-16. Review status: criteria provided, single submitter. Criteria: EGL Classification Definitions 2015. Collection method: clinical testing. Allele origin: germline. Observed: 102 variant alleles, 98 heterozygotes, 4 homozygotes.

Illumina Laboratory Services, Illumina
Classification: Likely benign for CFTR-Related Disorders. Last evaluated: 2017-04-27. Review status: criteria provided, single submitter. Criteria: ICSL Variant Classification Criteria 13 December 2019. Collection method: clinical testing. Allele origin: germline.
Comment: This variant was observed as part of a predisposition screen in an ostensibly healthy population. A literature search was performed for the gene, cDNA change, and amino acid change (where applicable). Publications were found based on this search. The evidence from the literature, in combination with allele frequency data from public databases where available, was sufficient to determine this variant is unlikely to cause disease. Therefore, this variant is classified as likely benign.

Genetic Services Laboratory, University of Chicago
Classification: Likely benign. Last evaluated: 2016-06-03. Review status: criteria provided, single submitter. Criteria: ACMG Guidelines, 2015. Collection method: clinical testing. Allele origin: germline. Affected: no.

Ambry Genetics
Classification: Benign for Cystic fibrosis. Last evaluated: 2014-12-01. Review status: criteria provided, single submitter. Criteria: Ambry Variant Classification Scheme 2023. Collection method: clinical testing. Allele origin: germline.

Laboratory for Molecular Medicine, Mass General Brigham Personalized Medicine
Classification: Benign. Last evaluated: 2014-02-28. Review status: criteria provided, single submitter. Criteria: LMM Criteria. Collection method: clinical testing. Allele origin: germline. Observed: 8 variant alleles.

Zotz-Klimas Genetics Lab, MVZ Zotz Klimas
Classification: Uncertain significance for Cystic fibrosis. Last evaluated: 2023-11-24. Review status: no assertion criteria provided. Collection method: clinical testing. Allele origin: germline. Affected: yes. Not counted in ClinVar's aggregate classification.

Genome Diagnostics Laboratory, The Hospital for Sick Children
Classification: Uncertain significance for CFTR-related disorders. Last evaluated: 2022-02-01. Review status: no assertion criteria provided. Collection method: clinical testing. Allele origin: germline. Not counted in ClinVar's aggregate classification.

Natera, Inc.
Classification: Benign for Cystic Fibrosis. Last evaluated: 2019-08-06. Review status: no assertion criteria provided. Collection method: clinical testing. Allele origin: germline. Not counted in ClinVar's aggregate classification.

Clinical Molecular Genetics Laboratory, Johns Hopkins All Children's Hospital
Classification: Uncertain significance. Last evaluated: 2015-05-14. Review status: no assertion criteria provided. Collection method: clinical testing. Allele origin: germline. Affected: yes. Not counted in ClinVar's aggregate classification.

Women's Health and Genetics/Laboratory Corporation of America, LabCorp
Classification: Benign for Cystic Fibrosis. Last evaluated: 2014-02-22. Review status: no assertion criteria provided. Collection method: clinical testing. Allele origin: germline. Not counted in ClinVar's aggregate classification.

GeneReviews
No classification provided. Condition: Hereditary pancreatitis. Review status: no classification provided. Collection method: literature only. Allele origin: germline. Affected: yes. Not counted in ClinVar's aggregate classification.

Literature cited by the submitters: PubMed 37867141 (cited by Quest Diagnostics Nichols Institute San Juan Capistrano); PubMed 37628659 (cited by Quest Diagnostics Nichols Institute San Juan Capistrano); PubMed 37389024 (cited by Quest Diagnostics Nichols Institute San Juan Capistrano); PubMed 37313453 (cited by Quest Diagnostics Nichols Institute San Juan Capistrano); PubMed 36983403 (cited by Quest Diagnostics Nichols Institute San Juan Capistrano); PubMed 36768629 (cited by Quest Diagnostics Nichols Institute San Juan Capistrano); PubMed 36670555 (cited by Quest Diagnostics Nichols Institute San Juan Capistrano); PubMed 36604502 (cited by Quest Diagnostics Nichols Institute San Juan Capistrano); PubMed 36409994 (cited by Quest Diagnostics Nichols Institute San Juan Capistrano); PubMed 23751316 (cited by Quest Diagnostics Nichols Institute San Juan Capistrano); PubMed 22995991 (cited by Quest Diagnostics Nichols Institute San Juan Capistrano); PubMed 21131649 (cited by Quest Diagnostics Nichols Institute San Juan Capistrano); PubMed 26100556 (cited by Quest Diagnostics Nichols Institute San Juan Capistrano); PubMed 26089335 (cited by Quest Diagnostics Nichols Institute San Juan Capistrano); PubMed 26014425 (cited by Quest Diagnostics Nichols Institute San Juan Capistrano); PubMed 25797027 (cited by Quest Diagnostics Nichols Institute San Juan Capistrano).